The following is an entry in ClinVar:

NM_004360.5(CDH1):c.848A>C (p.Glu283Ala)

Gene: CDH1 (cadherin 1; plus strand). Cytogenetic location: 16q22.1.
Variant type: single nucleotide variant.
Coding change: c.848A>C on transcript NM_004360.5 (MANE Select); coding-DNA position 848, A replaced by C.
Protein change: p.Glu283Ala; replaces glutamic acid 283 with alanine.
Molecular consequence: missense variant. On other transcripts: 5 prime UTR variant (2).
Genome position (GRCh38, 1-based): chr16:68,811,699, A>C. VCF-style: chr16-68811699-A-C. GRCh37 (hg19) VCF-style: chr16-68845602-A-C.
Other names: c.848A>C, p.Glu283Ala (NM_001317184.2); c.-768A>C (NM_001317185.2); c.-972A>C (NM_001317186.2); short protein forms E283A.
Identifiers: ClinVar variation 3777624 (VCV003777624.1).
Genomic context (GRCh38, chr16:68,811,699, plus strand): 5'-CAAAGTGCAGCTTGTCTAAACCTTCATCTCCTTGAACTCTTCCAGGAACCTCTGTGATGG[A>C]GGTCACAGCCACAGACGCGGACGATGATGTGAACACCTACAATGCCGCCATCGCTTACAC-3'
Protein context (NP_004351.1, residues 273-293): EGALPGTSVM[Glu283Ala]VTATDADDDV

ClinVar aggregate classification (germline): Uncertain significance (1 of 4 stars; one submission).

Submission:

GeneDx
Classification: Uncertain significance. Last evaluated: 2024-10-08. Review status: criteria provided, single submitter. Criteria: GeneDx Variant Classification Process June 2021. Collection method: clinical testing. Allele origin: germline. Affected: yes.
Comment: Not observed at significant frequency in large population cohorts (gnomAD); In silico analysis indicates that this missense variant does not alter protein structure/function; Has not been previously published as pathogenic or benign to our knowledge; This variant is associated with the following publications: (PMID: 15235021, 22850631)